The following is an entry in ClinVar:

ClinVar aggregate classification (germline): Conflicting classifications of pathogenicity. Review status: criteria provided, conflicting classifications (1 of 4 stars). 4 submissions from 4 submitters: Uncertain significance (2); Likely benign (2). Last evaluated 2026-01-27.

Conditions:
Autosomal recessive congenital ichthyosis 4A (LI2). Also called: ICHTHYOSIS CONGENITA IIB. Identifiers: Orphanet 313, MedGen C1832550, MONDO:0011026, OMIM 601277.

Allele frequency attached by ClinVar (database versions not stated): TOPMed 0.00003; gnomAD 0.00010; gnomAD exomes 0.00016; ExAC 0.00027; 1000 Genomes Project 0.00040; 1000 Genomes Project 30x 0.00062.
gnomAD v4.1: 243 of 1,609,542 alleles (0.015%); highest among the groups gnomAD compares: South Asian, 0.26%; no homozygotes.

Submissions (4):

Labcorp Genetics (formerly Invitae), Labcorp
Classification: Likely benign. Last evaluated: 2026-01-27. Review status: criteria provided, single submitter. Criteria: Invitae Variant Classification Sherloc (09022015). Collection method: clinical testing. Allele origin: germline.

Women's Health and Genetics/Laboratory Corporation of America, LabCorp
Classification: Uncertain significance. Last evaluated: 2025-01-27. Review status: criteria provided, single submitter. Criteria: LabCorp Variant Classification Summary - May 2015. Collection method: clinical testing. Allele origin: germline.

Blueprint Genetics
Classification: Likely benign. Last evaluated: 2022-06-03. Review status: criteria provided, single submitter. Criteria: ACMG Guidelines, 2015. Collection method: clinical testing. Allele origin: germline.

Neuberg Centre For Genomic Medicine, NCGM
Classification: Uncertain significance for Autosomal recessive congenital ichthyosis 4A. Review status: criteria provided, single submitter. Criteria: ACMG Guidelines, 2015. Collection method: clinical testing. Allele origin: germline. Inheritance: Autosomal recessive inheritance. Affected: yes.
Comment: The splice site variant c.4977+6C>T in ABCA12 gene has not been reported previously as a pathogenic variant nor as a benign variant, to our knowledge. The variant is novel (not in any individuals) in 1000 Genomes and allele frequency of 0.02860% is reported in gnomAD. Loss of function variants have been previously reported to be disease causing. For these reasons, this variant has been classified as Uncertain Significance .

NM_173076.3(ABCA12):c.4977+6C>T

Gene: ABCA12 (ATP binding cassette subfamily A member 12; minus strand). Cytogenetic location: 2q35.
Variant type: single nucleotide variant.
Coding change: c.4977+6C>T on transcript NM_173076.3 (MANE Select); 6 bases into the intron after coding-DNA position 4977, C replaced by T.
Molecular consequence: intron variant.
Genome position (GRCh38, 1-based): chr2:214,978,798, G>A on the plus strand (C>T on the coding strand, the complement: ABCA12 is on the minus strand). VCF-style: chr2-214978798-G-A. GRCh37 (hg19) VCF-style: chr2-215843522-G-A.
Other names: c.4023+6C>T (NM_015657.4).
Identifiers: ClinVar variation 2585491 (VCV002585491.7), dbSNP rs559998192, ClinGen allele CA2091338.